The following is an entry in ClinVar:

ClinVar aggregate classification (germline): Benign (1 of 4 stars; one submission).

Submission:

Laboratory for Molecular Medicine, Mass General Brigham Personalized Medicine
Classification: Benign. Last evaluated: 2016-03-29. Review status: criteria provided, single submitter. Criteria: LMM Criteria. Collection method: clinical testing. Allele origin: germline.
Comment: Variant identified in a genome or exome case(s) and assessed due to predicted null impact of the variant or pathogenic assertions in the literature or databases. Disclaimer: This variant has not undergone full assessment. The following are preliminary notes: Frequency in ESP (all): 12192/12202=0.99%

NM_030930.4(UNC93B1):c.890dup (p.Leu298fs)

Gene: UNC93B1 (unc-93 homolog B1, TLR signaling regulator; minus strand). Cytogenetic location: 11q13.2.
Variant type: Duplication.
Coding change: c.890dup on transcript NM_030930.4 (MANE Select); coding-DNA position 890, one base duplicated (T; older notation c.890dupT).
Protein change: p.Leu298fs; shifts the reading frame from leucine 298.
Molecular consequence: frameshift variant.
Genome position (GRCh38, 1-based): chr11:67,997,691, A duplicated on the plus strand (T on the coding strand, the reverse complement: UNC93B1 is on the minus strand); the first of 2 consecutive A bases (chr11:67,997,691-67,997,692); duplicating either gives the same sequence. VCF-style (leftmost placement, unchanged base first): chr11-67997690-G-GA. GRCh37 (hg19) VCF-style: chr11-67765161-G-GA.
Other names: c.888dup (LRG_123t1); short protein forms L298fs.
Identifiers: ClinVar variation 403594 (VCV000403594.4), dbSNP rs1060499915, ClinGen allele CA645509458.